The following is an entry in ClinVar:

ClinVar aggregate classification (germline): Uncertain significance (1 of 4 stars; one submission).

Conditions:
Hereditary cancer-predisposing syndrome. Also called: Hereditary Cancer Syndrome; Hereditary neoplastic syndrome; Tumor predisposition; Neoplastic Syndromes, Hereditary. Identifiers: Orphanet 140162, MedGen C0027672, MeSH D009386, MONDO:0015356.
Cardiovascular phenotype. Identifiers: MedGen CN230736.

Submission:

Ambry Genetics
Classification: Uncertain significance for Cardiovascular phenotype; Hereditary cancer-predisposing syndrome. Last evaluated: 2024-11-17. Review status: criteria provided, single submitter. Criteria: Ambry Variant Classification Scheme 2023. Collection method: clinical testing. Allele origin: germline.
Comment: The p.H295P variant (also known as c.884A>C), located in coding exon 9 of the LZTR1 gene, results from an A to C substitution at nucleotide position 884. The histidine at codon 295 is replaced by proline, an amino acid with similar properties. This amino acid position is conserved. In addition, this alteration is predicted to be deleterious by in silico analysis. Based on the available evidence, the clinical significance of this variant remains unclear.

NM_006767.4(LZTR1):c.884A>C (p.His295Pro)

Gene: LZTR1 (leucine zipper like post translational regulator 1; plus strand). Cytogenetic location: 22q11.21.
Variant type: single nucleotide variant.
Coding change: c.884A>C on transcript NM_006767.4 (MANE Select); coding-DNA position 884, A replaced by C.
Protein change: p.His295Pro; replaces histidine 295 with proline.
Molecular consequence: missense variant.
Genome position (GRCh38, 1-based): chr22:20,991,720, A>C. VCF-style: chr22-20991720-A-C. GRCh37 (hg19) VCF-style: chr22-21346009-A-C.
Other names: short protein forms H295P.
Identifiers: ClinVar variation 3541539 (VCV003541539.1).